The following is an entry in ClinVar:

NM_000455.5(STK11):c.505A>T (p.Ser169Cys)

Gene: STK11 (serine/threonine kinase 11; plus strand). Cytogenetic location: 19p13.3.
Variant type: single nucleotide variant.
Coding change: c.505A>T on transcript NM_000455.5 (MANE Select); coding-DNA position 505, A replaced by T.
Protein change: p.Ser169Cys; replaces serine 169 with cysteine.
Molecular consequence: missense variant. On other transcripts: non-coding transcript variant (1).
Genome position (GRCh38, 1-based): chr19:1,220,413, A>T. VCF-style: chr19-1220413-A-T. GRCh37 (hg19) VCF-style: chr19-1220412-A-T.
Other names: c.505A>T, p.Ser169Cys (NM_001407255.1); short protein forms S169C.
Identifiers: ClinVar variation 3802406 (VCV003802406.1).

ClinVar aggregate classification (germline): Uncertain significance (1 of 4 stars; one submission).

Conditions:
Hereditary cancer-predisposing syndrome. Also called: Neoplastic Syndromes, Hereditary; Hereditary Cancer Syndrome; Tumor predisposition; Hereditary neoplastic syndrome. Identifiers: Orphanet 140162, MedGen C0027672, MeSH D009386, MONDO:0015356.

Submission:

Ambry Genetics
Classification: Uncertain significance for Hereditary cancer-predisposing syndrome. Last evaluated: 2025-03-11. Review status: criteria provided, single submitter. Criteria: Ambry Variant Classification Scheme 2023. Collection method: clinical testing. Allele origin: germline.
Comment: The p.S169C variant (also known as c.505A>T), located in coding exon 4 of the STK11 gene, results from an A to T substitution at nucleotide position 505. The serine at codon 169 is replaced by cysteine, an amino acid with dissimilar properties. This amino acid position is conserved. In addition, the in silico prediction for this alteration is inconclusive. Based on the available evidence, the clinical significance of this variant remains unclear.